The following is an entry in ClinVar:

NM_152564.5(VPS13B):c.773T>C (p.Leu258Ser)

Gene: VPS13B (vacuolar protein sorting 13 homolog B; plus strand). Cytogenetic location: 8q22.2.
Variant type: single nucleotide variant.
Coding change: c.773T>C on transcript NM_152564.5 (MANE Select); coding-DNA position 773, T replaced by C.
Protein change: p.Leu258Ser; replaces leucine 258 with serine.
Molecular consequence: missense variant. On other transcripts: non-coding transcript variant (1).
Genome position (GRCh38, 1-based): chr8:99,115,710, T>C. VCF-style: chr8-99115710-T-C. GRCh37 (hg19) VCF-style: chr8-100127938-T-C.
Other names: c.773T>C (NM_017890.3, NM_152564.4); c.773T>C, p.Leu258Ser (NM_015243.3, NM_017890.5, NM_181661.3); short protein forms L258S.
Identifiers: ClinVar variation 842841 (VCV000842841.12), dbSNP rs1026827853, ClinGen allele CA182884715.

ClinVar aggregate classification (germline): Uncertain significance. Review status: criteria provided, multiple submitters, no conflicts (2 of 4 stars). 4 submissions from 4 submitters: Uncertain significance (2). 2 of the submissions do not count toward it. Last evaluated 2025-08-21.

Conditions:
Inborn genetic diseases. Identifiers: MedGen C0950123, MeSH D030342.
VPS13B-related disorder. Also called: VPS13B-related condition.
Cohen syndrome (COH1). Also called: PEPPER SYNDROME; Cutis verticis gyrata, retinitis pigmentosa, and sensorineural deafness. Identifiers: Orphanet 193, MedGen C0265223, MONDO:0008999, OMIM 216550.

Allele frequency attached by ClinVar (database versions not stated): gnomAD exomes below 0.00001; TOPMed below 0.00001; gnomAD 0.00001.
gnomAD v4.1: 7 of 1,612,878 alleles (0.00043%); highest among the groups gnomAD compares: Middle Eastern, 0.017%; no homozygotes.

Submissions (4):

Ambry Genetics
Classification: Uncertain significance for Inborn genetic diseases. Last evaluated: 2025-08-21. Review status: criteria provided, single submitter. Criteria: Ambry Variant Classification Scheme 2023. Collection method: clinical testing. Allele origin: germline.

Labcorp Genetics (formerly Invitae), Labcorp
Classification: Uncertain significance for Cohen syndrome. Last evaluated: 2022-07-06. Review status: criteria provided, single submitter. Criteria: Invitae Variant Classification Sherloc (09022015). Collection method: clinical testing. Allele origin: germline.
Comment: This sequence change replaces leucine, which is neutral and non-polar, with serine, which is neutral and polar, at codon 258 of the VPS13B protein (p.Leu258Ser). This variant is not present in population databases (gnomAD no frequency). This variant has not been reported in the literature in individuals affected with VPS13B-related conditions. ClinVar contains an entry for this variant (Variation ID: 842841). Algorithms developed to predict the effect of missense changes on protein structure and function are either unavailable or do not agree on the potential impact of this missense change (SIFT: "Not Available"; PolyPhen-2: "Possibly Damaging"; Align-GVGD: "Not Available"). In summary, the available evidence is currently insufficient to determine the role of this variant in disease. Therefore, it has been classified as a Variant of Uncertain Significance.

PreventionGenetics, part of Exact Sciences
Classification: Uncertain significance for VPS13B-related condition. Last evaluated: 2024-05-31. Review status: no assertion criteria provided. Collection method: clinical testing. Allele origin: germline. Not counted in ClinVar's aggregate classification.
Comment: The VPS13B c.773T>C variant is predicted to result in the amino acid substitution p.Leu258Ser. To our knowledge, this variant has not been reported in the literature or in a large population database, indicating this variant is rare. At this time, the clinical significance of this variant is uncertain due to the absence of conclusive functional and genetic evidence.

Natera, Inc.
Classification: Uncertain significance for Cohen syndrome. Last evaluated: 2020-12-01. Review status: no assertion criteria provided. Collection method: clinical testing. Allele origin: germline. Not counted in ClinVar's aggregate classification.